The following is an entry in ClinVar:

ClinVar aggregate classification (germline): Uncertain significance. Review status: criteria provided, multiple submitters, no conflicts (2 of 4 stars). 2 submissions from 2 submitters: Uncertain significance (2). Last evaluated 2025-10-06.

Conditions:
Intellectual developmental disorder with speech delay, dysmorphic facies, and t-cell abnormalities. Also called: BCL11B-related BAFopathy. Identifiers: Orphanet 662829, MedGen C4748152, MONDO:0060763, OMIM 618092.

Submissions (2):

Clinical Genomics Laboratory, Washington University in St. Louis
Classification: Uncertain significance for Intellectual developmental disorder with speech delay, dysmorphic facies, and t-cell abnormalities. Last evaluated: 2025-10-06. Review status: criteria provided, single submitter. Criteria: ACMG Guidelines, 2015. Collection method: clinical testing. Allele origin: germline.
Comment: The BCL11B c.1219C>T (p.Pro407Ser) variant, to our knowledge, has not been reported in the medical literature but has been reported in the ClinVar database as a germline variant of uncertain significance by a single submitter. This variant is absent from the general population (gnomAD v2.1.1), indicating it is not a common variant. Computational predictors suggest that the variant does not impact BCL11B function. Due to limited information, and based on ACMG/AMP guidelines for variant interpretation (Richards S et al., PMID: 25741868), the clinical significance of this variant is uncertain at this time.

Victorian Clinical Genetics Services, Murdoch Childrens Research Institute
Classification: Uncertain significance for Intellectual developmental disorder with speech delay, dysmorphic facies, and t-cell abnormalities. Last evaluated: 2024-10-08. Review status: criteria provided, single submitter. Criteria: ACMG Guidelines, 2015. Collection method: clinical testing. Allele origin: germline. Inheritance: Autosomal dominant inheritance. Affected: yes.
Comment: Based on the classification scheme VCGS_Germline_v1.3.4, this variant is classified as VUS-3A. Following criteria are met: 0102 - Loss of function is a known mechanism of disease in this gene and is associated with intellectual developmental disorder with dysmorphic facies, speech delay, and T-cell abnormalities (MIM#618092). Dominant negative has also been suggested as a mechanism of disease for missense variants (PMID:27959755, 29985992). (I) 0107 - This gene is associated with autosomal dominant disease. (I) 0200 - Variant is predicted to result in a missense amino acid change from proline to serine. (I) 0251 - This variant is heterozygous. (I) 0301 - Variant is absent from gnomAD (both v2 and v3). (SP) 0309 - An alternative amino acid change at the same position has been observed in gnomAD (v2) (1 heterozygote, 0 homozygotes). (I) 0502 - Missense variant with conflicting in silico predictions and high conservation. (I) 0604 - Variant is not located in an established domain, motif, hotspot or informative constraint region. (I) 0705 - No comparable missense variants have previous evidence for pathogenicity. (I) 0807 - This variant has no previous evidence of pathogenicity. (I) 0905 - No published segregation evidence has been identified for this variant. (I) 1007 - No published functional evidence has been identified for this variant. (SP) Legend: (SP) - Supporting pathogenic, (I) - Information, (SB) - Supporting benign

Literature cited by the submitters: PubMed 27959755 (cited by Victorian Clinical Genetics Services, Murdoch Childrens Research Institute); PubMed 29985992 (cited by Victorian Clinical Genetics Services, Murdoch Childrens Research Institute).

NM_138576.4(BCL11B):c.1219C>T (p.Pro407Ser)

Gene: BCL11B (BCL11 transcription factor B; minus strand). Cytogenetic location: 14q32.2.
Variant type: single nucleotide variant.
Coding change: c.1219C>T on transcript NM_138576.4 (MANE Select); coding-DNA position 1219, C replaced by T.
Protein change: p.Pro407Ser; replaces proline 407 with serine.
Molecular consequence: missense variant.
Genome position (GRCh38, 1-based): chr14:99,175,617, G>A on the plus strand (C>T on the coding strand, the complement: BCL11B is on the minus strand). VCF-style: chr14-99175617-G-A. GRCh37 (hg19) VCF-style: chr14-99641954-G-A.
Other names: c.1216C>T, p.Pro406Ser (NM_001282237.2); c.1003C>T, p.Pro335Ser (NM_001282238.2); c.1006C>T, p.Pro336Ser (NM_022898.3); short protein forms P335S, P336S, P406S, P407S.
Identifiers: ClinVar variation 3376702 (VCV003376702.2).